The following is an entry in ClinVar:

NM_013432.5(TONSL):c.3870C>T (p.Ser1290=)

Gene: TONSL (tonsoku like, DNA repair protein; minus strand). Cytogenetic location: 8q24.3.
Variant type: single nucleotide variant.
Coding change: c.3870C>T on transcript NM_013432.5 (MANE Select); coding-DNA position 3870, C replaced by T.
Protein change: p.Ser1290=; no amino-acid change (serine 1290 retained).
Molecular consequence: synonymous variant.
Genome position (GRCh38, 1-based): chr8:144,430,477, G>A on the plus strand (C>T on the coding strand, the complement: TONSL is on the minus strand). VCF-style: chr8-144430477-G-A. GRCh37 (hg19) VCF-style: chr8-145655860-G-A.
Other names: c.3870C>T (NM_013432.4).
Identifiers: ClinVar variation 1168117 (VCV001168117.33), dbSNP rs34999346, ClinGen allele CA4942347.
Genomic context (GRCh38, chr8:144,430,477, plus strand): 5'-GAAGCTAAGGCCTTGGGGCCGCTTTTGGAGGGTGGACAGGAGCTCTTCCAAGCTGGCACA[G>A]CTGATCTCAGGGTTGGCAGACAGATCCAGTGAGATGAGTGAGGGGCACAGAGAGAGACAT-3'
Protein context (NP_038460.4, residues 1280-1300): SLDLSANPEI[Ser1290=]CASLEELLST

ClinVar aggregate classification (germline): Benign. Review status: criteria provided, multiple submitters, no conflicts (2 of 4 stars). 4 submissions from 4 submitters: Benign (3). 1 of the submissions does not count toward it. Last evaluated 2026-06-01.

Conditions:
TONSL-related disorder. Also called: TONSL-related condition.

Allele frequency attached by ClinVar (database versions not stated): 1000 Genomes Project 0.00339; 1000 Genomes Project 30x 0.00375; TOPMed 0.00651; gnomAD 0.00753 and 0.00776; ESP Exome Variant Server 0.00838; gnomAD exomes 0.00846 and 0.01119; ExAC 0.00941.
gnomAD v4.1: 17,312 of 1,613,506 alleles (1.1%); highest among the groups gnomAD compares: Non-Finnish European, 1.3%; 130 homozygotes.

Submissions (4):

CeGaT Center for Human Genetics Tuebingen
Classification: Benign. Last evaluated: 2026-06-01. Review status: criteria provided, single submitter. Criteria: CeGaT Center For Human Genetics Tuebingen Variant Classification Criteria Version 2. Collection method: clinical testing. Allele origin: germline. Affected: yes. Observed: 4 variant alleles.
Comment: TONSL: BP4, BP7, BS1, BS2

Labcorp Genetics (formerly Invitae), Labcorp
Classification: Benign. Last evaluated: 2026-02-02. Review status: criteria provided, single submitter. Criteria: Invitae Variant Classification Sherloc (09022015). Collection method: clinical testing. Allele origin: germline.

Breakthrough Genomics
Classification: Benign. Review status: criteria provided, single submitter. Criteria: ACMG Guidelines, 2015. Collection method: not provided. Allele origin: germline. Inheritance: Autosomal recessive inheritance. Affected: yes.

PreventionGenetics, part of Exact Sciences
Classification: Benign for TONSL-related condition. Last evaluated: 2019-11-21. Review status: no assertion criteria provided. Collection method: clinical testing. Allele origin: germline. Not counted in ClinVar's aggregate classification.
Comment: This variant is classified as benign based on ACMG/AMP sequence variant interpretation guidelines (Richards et al. 2015 PMID: 25741868, with internal and published modifications).